The following is an entry in ClinVar:

NM_016203.4(PRKAG2):c.894C>G (p.Ala298=)

Gene: PRKAG2 (protein kinase AMP-activated non-catalytic subunit gamma 2; minus strand). Cytogenetic location: 7q36.1.
Variant type: single nucleotide variant.
Coding change: c.894C>G on transcript NM_016203.4 (MANE Select); coding-DNA position 894, C replaced by G.
Protein change: p.Ala298=; no amino-acid change (alanine 298 retained).
Molecular consequence: synonymous variant.
Genome position (GRCh38, 1-based): chr7:151,576,423, G>C on the plus strand (C>G on the coding strand, the complement: PRKAG2 is on the minus strand). VCF-style: chr7-151576423-G-C. GRCh37 (hg19) VCF-style: chr7-151273509-G-C.
Other names: c.762C>G, p.Ala254= (NM_001040633.2); c.519C>G, p.Ala173= (NM_001304527.2); c.171C>G, p.Ala57= (NM_001304531.2, NM_024429.2); c.522C>G, p.Ala174= (NM_001363698.2).
Identifiers: ClinVar variation 385821 (VCV000385821.1), dbSNP rs1057522338, ClinGen allele CA16605759.

ClinVar aggregate classification (germline): Likely benign (1 of 4 stars; one submission).

Submission:

GeneDx
Classification: Likely benign. Last evaluated: 2016-04-25. Review status: criteria provided, single submitter. Criteria: GeneDx Variant Classification (06012015). Collection method: clinical testing. Allele origin: germline. Affected: yes.
Comment: This variant is considered likely benign or benign based on one or more of the following criteria: it is a conservative change, it occurs at a poorly conserved position in the protein, it is predicted to be benign by multiple in silico algorithms, and/or has population frequency not consistent with disease.